The following is an entry in ClinVar:

NM_001379110.1(SLC9A6):c.154C>A (p.Leu52Met)

Genes: SLC9A6 (solute carrier family 9 member A6; plus strand), LOC130068747 (ATAC-STARR-seq lymphoblastoid active region 29988; plus strand). Cytogenetic location: Xq26.3.
Variant type: single nucleotide variant.
Coding change: c.154C>A on transcript NM_001379110.1 (MANE Select); coding-DNA position 154, C replaced by A.
Protein change: p.Leu52Met; replaces leucine 52 with methionine.
Molecular consequence: missense variant.
Genome position (GRCh38, 1-based): chrX:135,985,812, C>A. VCF-style: chrX-135985812-C-A. GRCh37 (hg19) VCF-style: chrX-135067971-C-A.
Other names: c.310C>A, p.Leu104Met (NM_001042537.2, NM_006359.3); c.154C>A, p.Leu52Met (NM_001177651.2, NM_001330652.2, NM_001400909.1 and 4 more transcripts); short protein forms L104M, L52M.
Identifiers: ClinVar variation 3766044 (VCV003766044.1).
Genomic context (GRCh38, chrX:135,985,812, plus strand): 5'-ACCATTCTCACAATCTGGCTCTTCAAGCACCGCCGGGCCCGCTTCCTGCACGAAACCGGC[C>A]TGGCTATGATTTATGGCAAGTTCCTCAACCCTTGTCAGCCCCTTGGCGCTGCCCCTTTCT-3'
Protein context (NP_001366039.1, residues 42-62): RRARFLHETG[Leu52Met]AMIYGLLVGL

ClinVar aggregate classification (germline): Uncertain significance (1 of 4 stars; one submission).

Submission:

GeneDx
Classification: Uncertain significance. Last evaluated: 2024-09-03. Review status: criteria provided, single submitter. Criteria: GeneDx Variant Classification Process June 2021. Collection method: clinical testing. Allele origin: germline. Affected: yes.
Comment: Not observed at significant frequency in large population cohorts (gnomAD); In silico analysis indicates that this missense variant does not alter protein structure/function; Has not been previously published as pathogenic or benign to our knowledge